The following is an entry in ClinVar:

ClinVar aggregate classification (germline): Uncertain significance (1 of 4 stars; one submission).

Conditions:
Hereditary cancer-predisposing syndrome. Also called: Hereditary neoplastic syndrome; Neoplastic Syndromes, Hereditary; Tumor predisposition; Hereditary Cancer Syndrome. Identifiers: Orphanet 140162, MedGen C0027672, MeSH D009386, MONDO:0015356.

Submission:

Ambry Genetics
Classification: Uncertain significance for Hereditary cancer-predisposing syndrome. Last evaluated: 2022-03-16. Review status: criteria provided, single submitter. Criteria: Ambry Variant Classification Scheme 2023. Collection method: clinical testing. Allele origin: germline.
Comment: The p.C2246R variant (also known as c.6736T>C), located in coding exon 45 of the ATM gene, results from a T to C substitution at nucleotide position 6736. The cysteine at codon 2246 is replaced by arginine, an amino acid with highly dissimilar properties. This amino acid position is conserved. In addition, the in silico prediction for this alteration is inconclusive. Since supporting evidence is limited at this time, the clinical significance of this alteration remains unclear.

NM_000051.4(ATM):c.6736T>C (p.Cys2246Arg)

Genes: ATM (ATM serine/threonine kinase; plus strand), C11orf65 (chromosome 11 open reading frame 65; minus strand). Cytogenetic location: 11q22.3.
Variant type: single nucleotide variant.
Coding change: c.6736T>C on transcript NM_000051.4 (MANE Select); coding-DNA position 6736, T replaced by C.
Protein change: p.Cys2246Arg; replaces cysteine 2246 with arginine.
Molecular consequence: missense variant. On other transcripts: intron variant (2).
Genome position (GRCh38, 1-based): chr11:108,325,473, T>C. VCF-style: chr11-108325473-T-C. GRCh37 (hg19) VCF-style: chr11-108196200-T-C.
Other names: c.6736T>C, p.Cys2246Arg (NM_001351834.2); c.641-16402A>G (NM_001330368.2); c.*38+9747A>G (NM_001351110.2); short protein forms C2246R.
Identifiers: ClinVar variation 1755165 (VCV001755165.2), dbSNP rs767070729, ClinGen allele CA382555165.